The following is an entry in ClinVar:

NM_003482.4(KMT2D):c.5596C>G (p.Pro1866Ala)

Gene: KMT2D (lysine methyltransferase 2D; minus strand). Cytogenetic location: 12q13.12.
Variant type: single nucleotide variant.
Coding change: c.5596C>G on transcript NM_003482.4 (MANE Select); coding-DNA position 5596, C replaced by G.
Protein change: p.Pro1866Ala; replaces proline 1866 with alanine.
Molecular consequence: missense variant.
Genome position (GRCh38, 1-based): chr12:49,043,124, G>C on the plus strand (C>G on the coding strand, the complement: KMT2D is on the minus strand). VCF-style: chr12-49043124-G-C. GRCh37 (hg19) VCF-style: chr12-49436907-G-C.
Other names: short protein forms P1866A.
Identifiers: ClinVar variation 3363568 (VCV003363568.1).
Genomic context (GRCh38, chr12:49,043,124, plus strand): 5'-TCACAGCCTCACCTTCTGTGGAAATCCTGTCTAAGTCAGAGCTAAGCATCCCTTCACCTG[G>C]GGTGCCTGGCTTCTCAGGGTCACTGGGCACTGGGGATGCCTTCACGCCCCCATCCTCAGG-3'
Protein context (NP_003473.3, residues 1856-1876): VPSDPEKPGT[Pro1866Ala]GEGMLSSDLD

ClinVar aggregate classification (germline): Uncertain significance (1 of 4 stars; one submission).

gnomAD v4.1: 2 of 1,613,960 alleles (0.00012%); highest among the groups gnomAD compares: African/African-American, 0.0013%; no homozygotes.

Submission:

GeneDx
Classification: Uncertain significance. Last evaluated: 2023-11-07. Review status: criteria provided, single submitter. Criteria: GeneDx Variant Classification Process June 2021. Collection method: clinical testing. Allele origin: germline. Affected: yes.
Comment: Not observed at significant frequency in large population cohorts (gnomAD); In silico analysis supports that this missense variant does not alter protein structure/function; Has not been previously published as pathogenic or benign to our knowledge